The following is an entry in ClinVar:

NM_024408.4(NOTCH2):c.2349C>T (p.Cys783=)

Gene: NOTCH2 (notch receptor 2; minus strand). Cytogenetic location: 1p12.
Variant type: single nucleotide variant.
Coding change: c.2349C>T on transcript NM_024408.4 (MANE Select); coding-DNA position 2349, C replaced by T.
Protein change: p.Cys783=; no amino-acid change (cysteine 783 retained).
Molecular consequence: synonymous variant.
Genome position (GRCh38, 1-based): chr1:119,953,559, G>A on the plus strand (C>T on the coding strand, the complement: NOTCH2 is on the minus strand). VCF-style: chr1-119953559-G-A. GRCh37 (hg19) VCF-style: chr1-120496182-G-A.
Other names: c.2349C>T, p.Cys783= (NM_001200001.2).
Identifiers: ClinVar variation 4712351 (VCV004712351.1).

ClinVar aggregate classification (germline): Uncertain significance (1 of 4 stars; one submission).

Conditions:
Hajdu-Cheney syndrome (HJCYS). Also called: ACROOSTEOLYSIS WITH OSTEOPOROSIS AND CHANGES IN SKULL AND MANDIBLE; SERPENTINE FIBULA-POLYCYSTIC KIDNEY SYNDROME; Acroosteolysis dominant type. Identifiers: Orphanet 955, MedGen C0917715, MONDO:0007057, OMIM 102500.

gnomAD v4.1: 1 of 1,614,042 alleles (0.000062%); no homozygotes.

Submission:

Labcorp Genetics (formerly Invitae), Labcorp
Classification: Uncertain significance for Hajdu-Cheney syndrome. Last evaluated: 2025-02-04. Review status: criteria provided, single submitter. Criteria: Invitae Variant Classification Sherloc (09022015). Collection method: clinical testing. Allele origin: germline.
Comment: This sequence change affects codon 783 of the NOTCH2 mRNA. It is a 'silent' change, meaning that it does not change the encoded amino acid sequence of the NOTCH2 protein. This variant is present in population databases (rs782720092, gnomAD no frequency). This variant has not been reported in the literature in individuals affected with NOTCH2-related conditions. Algorithms developed to predict the effect of sequence changes on RNA splicing suggest that this variant may create or strengthen a splice site. In summary, the available evidence is currently insufficient to determine the role of this variant in disease. Therefore, it has been classified as a Variant of Uncertain Significance.